The following is an entry in ClinVar:

NM_020806.5(GPHN):c.1976-3C>T

Genes: GPHN (gephyrin; plus strand), LOC126861970 (MED14-independent group 3 enhancer GRCh37_chr14:67634697-67635896; plus strand). Cytogenetic location: 14q23.3.
Variant type: single nucleotide variant.
Coding change: c.1976-3C>T on transcript NM_020806.5 (MANE Select); 3 bases into the intron before coding-DNA position 1976, C replaced by T.
Molecular consequence: intron variant.
Genome position (GRCh38, 1-based): chr14:67,168,930, C>T. VCF-style: chr14-67168930-C-T. GRCh37 (hg19) VCF-style: chr14-67635647-C-T.
Other names: c.2036-3C>T (NM_001377514.1); c.1916-3C>T (NM_001377519.1); c.2006-3C>T (NM_001377515.1); c.1997-3C>T (NM_001377516.1); c.1934-3C>T (NM_001377518.1); c.1949-3C>T (NM_001377517.1); c.1877-3C>T (NM_001024218.2).
Identifiers: ClinVar variation 1506053 (VCV001506053.6), dbSNP rs374685366, ClinGen allele CA7234241.
Genomic context (GRCh38, chr14:67,168,930, plus strand): 5'-GACATAATTATTTGGCAAATTGTTACACAGTGTATTATAAATAACTGCTTGGTTGACTTT[C>T]AGGGAATCCTGTATCGGCTGTGGTCACCTGCAATCTCTTTGTTGTGCCTGCACTGAGGAA-3'

ClinVar aggregate classification (germline): Uncertain significance (1 of 4 stars; one submission).

Conditions:
Sulfite oxidase deficiency due to molybdenum cofactor deficiency type C. Also called: Molybdenum cofactor deficiency, complementation group C; Molybdenum cofactor deficiency C. Identifiers: Orphanet 308400, Orphanet 833, MedGen C1854990, MONDO:0014212, OMIM 615501.

Allele frequency attached by ClinVar (database versions not stated): TOPMed 0.00001; ExAC 0.00002; gnomAD exomes 0.00002; ESP Exome Variant Server 0.00008; gnomAD 0.00001.
gnomAD v4.1: 38 of 1,590,912 alleles (0.0024%); highest among the groups gnomAD compares: Non-Finnish European, 0.0028%; no homozygotes.

Submission:

Labcorp Genetics (formerly Invitae), Labcorp
Classification: Uncertain significance for Sulfite oxidase deficiency due to molybdenum cofactor deficiency type C. Last evaluated: 2025-02-26. Review status: criteria provided, single submitter. Criteria: Invitae Variant Classification Sherloc (09022015). Collection method: clinical testing. Allele origin: germline.
Comment: This sequence change falls in intron 20 of the GPHN gene. It does not directly change the encoded amino acid sequence of the GPHN protein. It affects a nucleotide within the consensus splice site. This variant is present in population databases (rs374685366, gnomAD 0.01%). This variant has not been reported in the literature in individuals affected with GPHN-related conditions. ClinVar contains an entry for this variant (Variation ID: 1506053). Variants that disrupt the consensus splice site are a relatively common cause of aberrant splicing (PMID: 17576681, 9536098). Algorithms developed to predict the effect of sequence changes on RNA splicing suggest that this variant is not likely to affect RNA splicing. In summary, the available evidence is currently insufficient to determine the role of this variant in disease. Therefore, it has been classified as a Variant of Uncertain Significance.

Literature cited by the submitters: PubMed 17576681; PubMed 9536098.